The following is an entry in ClinVar:

ClinVar aggregate classification (germline): Uncertain significance (1 of 4 stars; one submission).

Submission:

Labcorp Genetics (formerly Invitae), Labcorp
Classification: Uncertain significance. Last evaluated: 2022-09-20. Review status: criteria provided, single submitter. Criteria: Invitae Variant Classification Sherloc (09022015). Collection method: clinical testing. Allele origin: germline.
Comment: This sequence change replaces threonine, which is neutral and polar, with alanine, which is neutral and non-polar, at codon 413 of the P4HB protein (p.Thr413Ala). This variant is not present in population databases (gnomAD no frequency). This variant has not been reported in the literature in individuals affected with P4HB-related conditions. Advanced modeling of protein sequence and biophysical properties (such as structural, functional, and spatial information, amino acid conservation, physicochemical variation, residue mobility, and thermodynamic stability) performed at Invitae indicates that this missense variant is not expected to disrupt P4HB protein function. In summary, the available evidence is currently insufficient to determine the role of this variant in disease. Therefore, it has been classified as a Variant of Uncertain Significance.

NM_000918.4(P4HB):c.1237A>G (p.Thr413Ala)

Gene: P4HB (prolyl 4-hydroxylase subunit beta; minus strand). Cytogenetic location: 17q25.3.
Variant type: single nucleotide variant.
Coding change: c.1237A>G on transcript NM_000918.4 (MANE Select); coding-DNA position 1237, A replaced by G.
Protein change: p.Thr413Ala; replaces threonine 413 with alanine.
Molecular consequence: missense variant.
Genome position (GRCh38, 1-based): chr17:81,845,683, T>C on the plus strand (A>G on the coding strand, the complement: P4HB is on the minus strand). VCF-style: chr17-81845683-T-C. GRCh37 (hg19) VCF-style: chr17-79803559-T-C.
Other names: short protein forms T413A.
Identifiers: ClinVar variation 2053788 (VCV002053788.4), dbSNP rs2509949814, ClinGen allele CA401506763.